The following is an entry in ClinVar:

NM_001365276.2(TNXB):c.7117G>A (p.Gly2373Ser)

Gene: TNXB (tenascin XB; minus strand). Cytogenetic location: 6p21.33.
Variant type: single nucleotide variant.
Coding change: c.7117G>A on transcript NM_001365276.2 (MANE Select); coding-DNA position 7117, G replaced by A.
Protein change: p.Gly2373Ser; replaces glycine 2373 with serine.
Molecular consequence: missense variant.
Genome position (GRCh38, 1-based): chr6:32,062,208, C>T on the plus strand (G>A on the coding strand, the complement: TNXB is on the minus strand). VCF-style: chr6-32062208-C-T. GRCh37 (hg19) VCF-style: chr6-32029985-C-T.
Other names: c.7858G>A, p.Gly2620Ser (NM_001428335.1); c.7117G>A, p.Gly2373Ser (NM_019105.8); c.7117G>A (NM_019105.6); short protein forms G2373S, G2620S.
Identifiers: ClinVar variation 3769245 (VCV003769245.3).
Genomic context (GRCh38, chr6:32,062,208, plus strand): 5'-TCCACTCACCTGTCACCCCGATGGCAGACACGGGGCCCACACGCTGGCCACCGTGGAAGC[C>T]GTACAGGTTCATCTTGTACTTGTTGTCTGGCTCCAGGCCGGAGATGGTGACCCTGTCCTC-3'
Protein context (NP_001352205.1, residues 2363-2383): PDNKYKMNLY[Gly2373Ser]FHGGQRVGPV

ClinVar aggregate classification (germline): Uncertain significance. Review status: criteria provided, multiple submitters, no conflicts (2 of 4 stars). 2 submissions from 2 submitters: Uncertain significance (2). Last evaluated 2025-01-07.

Conditions:
Cardiovascular phenotype. Identifiers: MedGen CN230736.

gnomAD v4.1: 13 of 1,612,976 alleles (0.00081%); highest among the groups gnomAD compares: East Asian, 0.0022%; no homozygotes.

Submissions (2):

Women's Health and Genetics/Laboratory Corporation of America, LabCorp
Classification: Uncertain significance. Last evaluated: 2025-01-07. Review status: criteria provided, single submitter. Criteria: LabCorp Variant Classification Summary - May 2015. Collection method: clinical testing. Allele origin: germline.
Comment: Variant summary: TNXB c.7117G>A (p.Gly2373Ser) results in a non-conservative amino acid change located in the Fibronectin type 3 domain of the encoded protein sequence. Three of five in-silico tools predict a damaging effect of the variant on protein function. The variant allele was found at a frequency of 8.1e-06 in 246224 control chromosomes. The available data on variant occurrences in the general population are insufficient to allow any conclusion about variant significance. To our knowledge, no occurrence of c.7117G>A in individuals affected with Ehlers-Danlos syndrome due to tenascin-X deficiency and no experimental evidence demonstrating its impact on protein function have been reported. No submitters have cited clinical-significance assessments for this variant to ClinVar. Based on the evidence outlined above, the variant was classified as uncertain significance.

Ambry Genetics
Classification: Uncertain significance for Cardiovascular phenotype. Last evaluated: 2024-12-20. Review status: criteria provided, single submitter. Criteria: Ambry Variant Classification Scheme 2023. Collection method: clinical testing. Allele origin: germline.
Comment: The p.G2373S variant (also known as c.7117G>A), located in coding exon 19 of the TNXB gene, results from a G to A substitution at nucleotide position 7117. The glycine at codon 2373 is replaced by serine, an amino acid with similar properties. This amino acid position is conserved. In addition, this alteration is predicted to be tolerated by in silico analysis. Based on the available evidence, the clinical significance of this variant remains unclear.